The following is an entry in ClinVar:

NM_001035.3(RYR2):c.231G>A (p.Ala77=)

Gene: RYR2 (ryanodine receptor 2; plus strand). Cytogenetic location: 1q43.
Variant type: single nucleotide variant.
Coding change: c.231G>A on transcript NM_001035.3 (MANE Select); coding-DNA position 231, G replaced by A.
Protein change: p.Ala77=; no amino-acid change (alanine 77 retained).
Molecular consequence: synonymous variant.
Genome position (GRCh38, 1-based): chr1:237,330,940, G>A. VCF-style: chr1-237330940-G-A. GRCh37 (hg19) VCF-style: chr1-237494240-G-A.
Other names: p.A77A:GCG>GCA.
Identifiers: ClinVar variation 43756 (VCV000043756.26), dbSNP rs376225470, ClinGen allele CA008764.

ClinVar aggregate classification (germline): Benign/Likely benign. Review status: criteria provided, multiple submitters, no conflicts (2 of 4 stars). 10 submissions from 10 submitters: Benign (7); Likely benign (3). Last evaluated 2026-01-28.

Conditions:
Cardiovascular phenotype. Identifiers: MedGen CN230736.
Cardiomyopathy (CMYO). Also called: Cardiomyopathies. Identifiers: Orphanet 167848, MedGen C0878544, MONDO:0004994, HP:0001638. Inheritance: Various modes of inheritance.
Catecholaminergic polymorphic ventricular tachycardia 1. Also called: VENTRICULAR TACHYCARDIA, CATECHOLAMINERGIC POLYMORPHIC, 1, WITH OR WITHOUT ATRIAL DYSFUNCTION AND/OR DILATED CARDIOMYOPATHY; VENTRICULAR TACHYCARDIA, STRESS-INDUCED POLYMORPHIC 1; RYR2-Related Catecholaminergic Polymorphic Ventricular Tachycardia. Identifiers: Orphanet 3286, MedGen C1631597, MONDO:0011484, OMIM 604772.
Catecholaminergic polymorphic ventricular tachycardia (CVPT). Also called: Catecholamine-induced polymorphic ventricular tachycardia. Identifiers: Orphanet 3286, MedGen C5574922, MONDO:0017990.

Allele frequency attached by ClinVar (database versions not stated): gnomAD exomes 0.00006 and 0.00019; ExAC 0.00025; 1000 Genomes Project 30x 0.00031; 1000 Genomes Project 0.00040; ESP Exome Variant Server 0.00048; gnomAD 0.00076 and 0.00084; TOPMed 0.00076.
gnomAD v4.1: 208 of 1,613,978 alleles (0.013%); highest among the groups gnomAD compares: African/African-American, 0.21%; 1 homozygote.

Submissions (10):

Labcorp Genetics (formerly Invitae), Labcorp
Classification: Benign for Catecholaminergic polymorphic ventricular tachycardia 1. Last evaluated: 2026-01-28. Review status: criteria provided, single submitter. Criteria: Invitae Variant Classification Sherloc (09022015). Collection method: clinical testing. Allele origin: germline.

Molecular Diagnostic Laboratory for Inherited Cardiovascular Disease, Montreal Heart Institute
Classification: Benign. Last evaluated: 2025-04-09. Review status: criteria provided, single submitter. Criteria: ACMG Guidelines, 2015. Collection method: clinical testing. Allele origin: germline. Affected: no.
Comment: BS1;BP6;BP7

Blueprint Genetics
Classification: Likely benign. Last evaluated: 2024-10-08. Review status: criteria provided, single submitter. Criteria: ACMG Guidelines, 2015. Collection method: clinical testing. Allele origin: germline.

ARUP Laboratories, Molecular Genetics and Genomics, ARUP Laboratories
Classification: Benign. Last evaluated: 2024-05-30. Review status: criteria provided, single submitter. Criteria: ARUP Molecular Germline Variant Investigation Process 2024. Collection method: clinical testing. Allele origin: germline.

All of Us Research Program, National Institutes of Health
Classification: Benign for Catecholaminergic polymorphic ventricular tachycardia. Last evaluated: 2024-02-05. Review status: criteria provided, single submitter. Criteria: ACMG Guidelines, 2015. Collection method: clinical testing. Allele origin: germline. Inheritance: Autosomal dominant inheritance. Observed: 66 variant alleles, 66 heterozygotes.
Comment: This study involves interpretation of variants in research participants for the purpose of population health screening. Participant phenotype was not available at the time of variant classification. Additional details can be found in publication PMID: 35346344, PMCID: PMC8962531

Women's Health and Genetics/Laboratory Corporation of America, LabCorp
Classification: Benign. Last evaluated: 2020-12-12. Review status: criteria provided, single submitter. Criteria: LabCorp Variant Classification Summary - May 2015. Collection method: clinical testing. Allele origin: germline.

Ambry Genetics
Classification: Likely benign for Cardiovascular phenotype. Last evaluated: 2019-07-30. Review status: criteria provided, single submitter. Criteria: Ambry Variant Classification Scheme 2023. Collection method: clinical testing. Allele origin: germline.

Color Diagnostics, LLC DBA Color Health
Classification: Benign for Cardiomyopathy. Last evaluated: 2018-10-21. Review status: criteria provided, single submitter. Criteria: ACMG Guidelines, 2015. Collection method: clinical testing. Allele origin: germline.

Laboratory for Molecular Medicine, Mass General Brigham Personalized Medicine
Classification: Likely benign. Last evaluated: 2015-03-23. Review status: criteria provided, single submitter. Criteria: LMM Criteria. Collection method: clinical testing. Allele origin: germline. Observed: 4 variant alleles.
Comment: p.Ala77Ala in exon 03 of RYR2: This variant is not expected to have clinical sig nificance because it does not alter an amino acid residue and is not located wit hin the splice consensus sequence. It has been identified in 0.2% (20/9800) of A frican chromosomes by the Exome Aggregation Consortium (ExAC; dbSNP rs376225470).

GeneDx
Classification: Benign. Last evaluated: 2014-03-25. Review status: criteria provided, single submitter. Criteria: GeneDx Variant Classification (06012015). Collection method: clinical testing. Allele origin: germline. Affected: yes.
Comment: This variant is considered likely benign or benign based on one or more of the following criteria: it is a conservative change, it occurs at a poorly conserved position in the protein, it is predicted to be benign by multiple in silico algorithms, and/or has population frequency not consistent with disease.